The following is an entry in ClinVar:

NM_000095.3(COMP):c.762+12C>A

Gene: COMP (cartilage oligomeric matrix protein; minus strand). Cytogenetic location: 19p13.11.
Variant type: single nucleotide variant.
Coding change: c.762+12C>A on transcript NM_000095.3 (MANE Select); 12 bases into the intron after coding-DNA position 762, C replaced by A.
Molecular consequence: intron variant.
Genome position (GRCh38, 1-based): chr19:18,788,580, G>T on the plus strand (C>A on the coding strand, the complement: COMP is on the minus strand). VCF-style: chr19-18788580-G-T. GRCh37 (hg19) VCF-style: chr19-18899389-G-T.
Identifiers: ClinVar variation 255125 (VCV000255125.19), dbSNP rs199733531, ClinGen allele CA9316643.

ClinVar aggregate classification (germline): Benign/Likely benign. Review status: criteria provided, multiple submitters, no conflicts (2 of 4 stars). 8 submissions from 7 submitters: Benign (5); Likely benign (3). Last evaluated 2026-05-12.

Conditions:
Pseudoachondroplastic spondyloepiphyseal dysplasia syndrome (PSACH). Also called: Pseudoachondroplasia; COMP-Related Pseudoachondroplasia; PSEUDOACHONDROPLASTIC DYSPLASIA. Identifiers: Orphanet 750, MedGen C0410538, MONDO:0008322, OMIM 177170.
Multiple epiphyseal dysplasia type 1. Also called: COMP-Related Multiple Epiphyseal Dysplasia. Identifiers: Orphanet 93308, MedGen C1838280, MONDO:0007561, OMIM 132400.

Allele frequency attached by ClinVar (database versions not stated): gnomAD exomes 0.00045 and 0.00099; ExAC 0.00215; ESP Exome Variant Server 0.00421; gnomAD 0.00435 and 0.00463; TOPMed 0.00498; 1000 Genomes Project 30x 0.00515; 1000 Genomes Project 0.00539.
gnomAD v4.1: 1,316 of 1,556,756 alleles (0.085%); highest among the groups gnomAD compares: African/African-American, 1.5%; 3 homozygotes.

Submissions (8):

Women's Health and Genetics/Laboratory Corporation of America, LabCorp
Classification: Benign. Last evaluated: 2026-05-12. Review status: criteria provided, single submitter. Criteria: LabCorp Variant Classification Summary - May 2015. Collection method: clinical testing. Allele origin: germline.

Labcorp Genetics (formerly Invitae), Labcorp
Classification: Benign. Last evaluated: 2026-01-04. Review status: criteria provided, single submitter. Criteria: Invitae Variant Classification Sherloc (09022015). Collection method: clinical testing. Allele origin: germline.

Blueprint Genetics
Classification: Likely benign. Last evaluated: 2024-11-25. Review status: criteria provided, single submitter. Criteria: ACMG Guidelines, 2015. Collection method: clinical testing. Allele origin: germline.

ARUP Laboratories, Molecular Genetics and Genomics, ARUP Laboratories
Classification: Benign. Last evaluated: 2024-09-30. Review status: criteria provided, single submitter. Criteria: ARUP Molecular Germline Variant Investigation Process 2024. Collection method: clinical testing. Allele origin: germline.

Illumina Laboratory Services, Illumina
Classification: Benign for Multiple epiphyseal dysplasia type 1. Last evaluated: 2018-01-13. Review status: criteria provided, single submitter. Criteria: ICSL Variant Classification Criteria 13 December 2019. Collection method: clinical testing. Allele origin: germline.
Comment: This variant was observed in the ICSL laboratory as part of a predisposition screen in an ostensibly healthy population. It had not been previously curated by ICSL or reported in the Human Gene Mutation Database (HGMD: prior to June 1st, 2018), and was therefore a candidate for classification through an automated scoring system. Utilizing variant allele frequency, disease prevalence and penetrance estimates, and inheritance mode, an automated score was calculated to assess if this variant is too frequent to cause the disease. Based on the score and internal cut-off values, a variant classified as benign is not then subjected to further curation. The score for this variant resulted in a classification of benign for this disease.

Illumina Laboratory Services, Illumina
Classification: Benign for Pseudoachondroplastic spondyloepiphyseal dysplasia syndrome. Last evaluated: 2018-01-13. Review status: criteria provided, single submitter. Criteria: ICSL Variant Classification Criteria 13 December 2019. Collection method: clinical testing. Allele origin: germline.
Comment: the same text as in the submission from Illumina Laboratory Services, Illumina above.

Breakthrough Genomics
Classification: Likely benign. Review status: criteria provided, single submitter. Criteria: ACMG Guidelines, 2015. Collection method: not provided. Allele origin: germline. Inheritance: Autosomal dominant inheritance. Affected: yes.

PreventionGenetics, part of Exact Sciences
Classification: Likely benign. Review status: criteria provided, single submitter. Criteria: ACMG Guidelines, 2015. Collection method: clinical testing. Allele origin: germline.